The following is an entry in ClinVar:

ClinVar aggregate classification (germline): Pathogenic. Review status: criteria provided, multiple submitters, no conflicts (2 of 4 stars). 2 submissions from 2 submitters: Pathogenic (2). Last evaluated 2024-04-25.

Conditions:
Migraine, familial hemiplegic, 1. Also called: MIGRAINE, FAMILIAL HEMIPLEGIC 1, WITH PROGRESSIVE CEREBELLAR ATAXIA. Identifiers: Orphanet 569, MedGen C1832884, MONDO:0020756, OMIM 141500, MONDO:0007714.
Spinocerebellar ataxia type 6 (SCA6). Identifiers: Orphanet 98758, MedGen C0752124, MONDO:0008457, OMIM 183086.
Developmental and epileptic encephalopathy, 52 (DEE52). Also called: Epileptic encephalopathy, early infantile, 52. Identifiers: MedGen C4479236, MONDO:0033361, OMIM 617350.
Episodic ataxia type 2 (EA2). Also called: ACETAZOLAMIDE-RESPONSIVE HEREDITARY PAROXYSMAL CEREBELLAR ATAXIA; ATAXIA, EPISODIC, WITH NYSTAGMUS; ATAXIA, FAMILIAL PAROXYSMAL; CEREBELLAR ATAXIA, PAROXYSMAL, ACETAZOLAMIDE-RESPONSIVE; CEREBELLOPATHY, HEREDITARY PAROXYSMAL; EPISODIC ATAXIA, NYSTAGMUS-ASSOCIATED. Identifiers: Orphanet 97, MedGen C1720416, MONDO:0007163, OMIM 108500.
Developmental and epileptic encephalopathy, 42 (DEE42A). Also called: DEVELOPMENTAL AND EPILEPTIC ENCEPHALOPATHY 42A; EPILEPTIC ENCEPHALOPATHY, EARLY INFANTILE, 42A; Epileptic encephalopathy, early infantile, 42. Identifiers: MedGen C4310716, MONDO:0014917, OMIM 617106.

Submissions (2):

Labcorp Genetics (formerly Invitae), Labcorp
Classification: Pathogenic for Developmental and epileptic encephalopathy, 42; Episodic ataxia type 2. Last evaluated: 2024-04-25. Review status: criteria provided, single submitter. Criteria: Invitae Variant Classification Sherloc (09022015). Collection method: clinical testing. Allele origin: germline.
Comment: This sequence change replaces valine, which is neutral and non-polar, with methionine, which is neutral and non-polar, at codon 714 of the CACNA1A protein (p.Val714Met). This variant is not present in population databases (gnomAD no frequency). This missense change has been observed in individual(s) with clinical features of CACNA1A-related conditions (PMID: 26633542, 35722745). In at least one individual the variant was observed to be de novo. This variant is also known as c.2137G>A (p.Val713Met). ClinVar contains an entry for this variant (Variation ID: 1679527). Advanced modeling of protein sequence and biophysical properties (such as structural, functional, and spatial information, amino acid conservation, physicochemical variation, residue mobility, and thermodynamic stability) performed at Invitae indicates that this missense variant is expected to disrupt CACNA1A protein function with a positive predictive value of 80%. This variant disrupts the p.Val714 amino acid residue in CACNA1A. Other variant(s) that disrupt this residue have been determined to be pathogenic (PMID: 8898206). This suggests that this residue is clinically significant, and that variants that disrupt this residue are likely to be disease-causing. For these reasons, this variant has been classified as Pathogenic.

Wendy Chung Laboratory, Boston Children's Hospital
Classification: Pathogenic for Developmental and epileptic encephalopathy, 52; Episodic ataxia type 2; Migraine, familial hemiplegic, 1; Spinocerebellar ataxia type 6. Last evaluated: 2022-03-20. Review status: criteria provided, single submitter. Criteria: ACMG Guidelines, 2015. Collection method: clinical testing. Allele origin: de novo. Affected: no.

Literature cited by the submitters: PubMed 26633542 (cited by Labcorp Genetics (formerly Invitae), Labcorp); PubMed 35722745 (cited by Labcorp Genetics (formerly Invitae), Labcorp); PubMed 8898206 (cited by Labcorp Genetics (formerly Invitae), Labcorp).

NM_001127222.2(CACNA1A):c.2137G>A (p.Val713Met)

Gene: CACNA1A (calcium voltage-gated channel subunit alpha1 A; minus strand). Cytogenetic location: 19p13.13.
Variant type: single nucleotide variant.
Coding change: c.2137G>A on transcript NM_001127222.2 (MANE Select); coding-DNA position 2137, G replaced by A.
Protein change: p.Val713Met; replaces valine 713 with methionine.
Molecular consequence: missense variant.
Genome position (GRCh38, 1-based): chr19:13,303,581, C>T on the plus strand (G>A on the coding strand, the complement: CACNA1A is on the minus strand). VCF-style: chr19-13303581-C-T. GRCh37 (hg19) VCF-style: chr19-13414395-C-T.
Other names: c.2140G>A, p.Val714Met (NM_000068.4, NM_001127221.2, NM_001174080.2 and 1 more transcripts); short protein forms V713M, V714M.
Identifiers: ClinVar variation 1679527 (VCV001679527.6), dbSNP rs2144979269, ClinGen allele CA404344172.